The following is an entry in ClinVar:

ClinVar aggregate classification (germline): Uncertain significance (1 of 4 stars; one submission).

Conditions:
SPTB-related disorder. Also called: SPTB-related condition; SPTB-Related Disorders.

gnomAD v4.1: 12 of 1,606,504 alleles (0.00075%); highest among the groups gnomAD compares: Non-Finnish European, 0.00093%; no homozygotes.

Submission:

PreventionGenetics, part of Exact Sciences
Classification: Uncertain significance for SPTB-related condition. Last evaluated: 2025-11-24. Review status: criteria provided, single submitter. Criteria: ACMG Guidelines, 2015. Collection method: clinical testing. Allele origin: germline.
Comment: The SPTB c.1814C>T variant is predicted to result in the amino acid substitution p.Pro605Leu. To our knowledge, this variant has not been reported in the literature. This variant is reported in 0.0018% of alleles in individuals of European (Non-Finnish) descent in gnomAD. At this time, the clinical significance of this variant is uncertain due to the absence of conclusive functional and genetic evidence.

NM_001355436.2(SPTB):c.1814C>T (p.Pro605Leu)

Gene: SPTB (spectrin beta, erythrocytic; minus strand). Cytogenetic location: 14q23.3.
Variant type: single nucleotide variant.
Coding change: c.1814C>T on transcript NM_001355436.2 (MANE Select); coding-DNA position 1814, C replaced by T.
Protein change: p.Pro605Leu; replaces proline 605 with leucine.
Molecular consequence: missense variant.
Genome position (GRCh38, 1-based): chr14:64,793,849, G>A on the plus strand (C>T on the coding strand, the complement: SPTB is on the minus strand). VCF-style: chr14-64793849-G-A. GRCh37 (hg19) VCF-style: chr14-65260567-G-A.
Other names: c.1814C>T, p.Pro605Leu (NM_001024858.4, NM_001355437.2); short protein forms P605L.
Identifiers: ClinVar variation 4988072 (VCV004988072.1).
Genomic context (GRCh38, chr14:64,793,849, plus strand): 5'-ATGTTGCTCAGCTCCTCAAAGCACTGCTCCAAGTGGCTGATGCGGTCCTGGATGACCTGG[G>A]GGTCACAAGGCTGGTACCCTGGAAGAAATAGGGGGAAGGAGGACAAAGTGGGGGATGGGC-3'
Protein context (NP_001342365.1, residues 595-615): TEGKGYQPCD[Pro605Leu]QVIQDRISHL